The following is an entry in ClinVar:

NM_016111.4(TELO2):c.561del (p.Leu188fs)

Gene: TELO2 (telomere maintenance 2; plus strand). Cytogenetic location: 16p13.3.
Variant type: Deletion.
Coding change: c.561del on transcript NM_016111.4 (MANE Select); coding-DNA position 561, one base deleted (G; older notation c.561delG).
Protein change: p.Leu188fs; shifts the reading frame from leucine 188.
Molecular consequence: frameshift variant.
Genome position (GRCh38, 1-based): chr16:1,495,571, G deleted. VCF-style (leftmost placement, unchanged base first): chr16-1495570-TG-T. GRCh37 (hg19) VCF-style: chr16-1545571-TG-T.
Other names: c.561del, p.Leu188fs (NM_001351846.2); short protein forms L188fs.
Identifiers: ClinVar variation 452017 (VCV000452017.2), dbSNP rs1555469732, ClinGen allele CA658658334.
Genomic context (GRCh38, chr16:1,495,570, plus strand): 5'-TGGGCAACCGCCTGCAGCAGGAGAACTTGGCCGAGTTCTTCCCCCAGAACTACTTCCGCC[TG>T]CTCGGCGAGGAGGTCGTCCGGGTGCTGCAGGCGGTTGTGGACTCTCTCCAAGGTGAGGCC-3'

ClinVar aggregate classification (germline): Likely pathogenic (1 of 4 stars; one submission).

Submission:

GeneDx
Classification: Likely pathogenic. Last evaluated: 2017-09-12. Review status: criteria provided, single submitter. Criteria: GeneDx Variant Classification (06012015). Collection method: clinical testing. Allele origin: germline. Affected: yes.
Comment: The c.561delG variant in the TELO2 gene has not been reported previously as a pathogenic variant nor as a benign variant, to our knowledge. The c.561delG variant causes a frameshift starting with codon Leucine 188, changes this amino acid to a Serine residue, and creates a premature Stop codon at position 81 of the new reading frame, denoted p.Leu188SerfsX81. This variant is predicted to cause loss of normal protein function either through protein truncation or nonsense-mediated mRNA decay. The c.561delG variant is not observed in large population cohorts (Lek et al., 2016; 1000 Genomes Consortium et al., 2015; Exome Variant Server). We interpret c.561delG as a likely pathogenic variant.